The following is an entry in ClinVar:

NC_000016.9:g.(?_23632677)_(23637724_?)dup

Gene: PALB2 (partner and localizer of BRCA2; minus strand). Cytogenetic location: 16p12.2.
Variant type: Duplication.
Identifiers: ClinVar variation 1066739 (VCV001066739.8).

ClinVar aggregate classification (germline): Likely pathogenic (1 of 4 stars; one submission).

Conditions:
Familial cancer of breast. Also called: hereditary breast carcinoma; Hereditary breast cancer; BREAST CANCER, FAMILIAL. Identifiers: Orphanet 227535, MedGen C0346153, MONDO:0016419, OMIM 114480. Disease mechanism: loss of function.

Submission:

Labcorp Genetics (formerly Invitae), Labcorp
Classification: Likely pathogenic for Familial cancer of breast. Last evaluated: 2016-11-10. Review status: criteria provided, single submitter. Criteria: Invitae Variant Classification Sherloc (09022015). Collection method: clinical testing. Allele origin: germline.
Comment: In summary, sub-genic duplications are generally in tandem (PMID: 25640679), and result in an absent or disrupted protein. However, the exact location of this duplication has not been confirmed. Therefore, it has been classified as Likely Pathogenic. Duplications of exons 7-10 have not been reported in the literature in individuals with a PALB2-related disease. This variant is a gross duplication of the genomic region encompassing exons 7-10 of the PALB2 gene. While the exact position of the duplicated exons cannot be determined from this data, the duplicated copy of this region is likely in tandem and may result in an absent or disrupted protein product.

Literature cited by the submitters: PubMed 25640679.